The following is an entry in ClinVar:

ClinVar aggregate classification (germline): Conflicting classifications of pathogenicity. Review status: criteria provided, conflicting classifications (1 of 4 stars). 10 submissions from 10 submitters: Uncertain significance (2); Likely benign (7). 1 of the submissions does not count toward it. Last evaluated 2026-02-03.

Conditions:
VPS13B-related disorder. Also called: VPS13B-related condition.
Inborn genetic diseases. Identifiers: MedGen C0950123, MeSH D030342.
Cohen syndrome (COH1). Also called: PEPPER SYNDROME; Cutis verticis gyrata, retinitis pigmentosa, and sensorineural deafness. Identifiers: Orphanet 193, MedGen C0265223, MONDO:0008999, OMIM 216550.

Allele frequency attached by ClinVar (database versions not stated): ESP Exome Variant Server 0.00054; TOPMed 0.00061; gnomAD exomes 0.00063; ExAC 0.00068; gnomAD 0.00071 and 0.00076.
gnomAD v4.1: 1,744 of 1,613,990 alleles (0.11%); highest among the groups gnomAD compares: Non-Finnish European, 0.14%; no homozygotes.

Submissions (10):

Labcorp Genetics (formerly Invitae), Labcorp
Classification: Likely benign for Cohen syndrome. Last evaluated: 2026-02-03. Review status: criteria provided, single submitter. Criteria: Invitae Variant Classification Sherloc (09022015). Collection method: clinical testing. Allele origin: germline.

CeGaT Center for Human Genetics Tuebingen
Classification: Likely benign. Last evaluated: 2026-02-01. Review status: criteria provided, single submitter. Criteria: CeGaT Center For Human Genetics Tuebingen Variant Classification Criteria Version 2. Collection method: clinical testing. Allele origin: germline. Affected: yes. Observed: 2 variant alleles.
Comment: VPS13B: BS1

Mayo Clinic Laboratories, Mayo Clinic
Classification: Likely benign. Last evaluated: 2025-04-30. Review status: criteria provided, single submitter. Criteria: ACMG Guidelines, 2015. Collection method: clinical testing. Allele origin: germline. Observed: 2 variant alleles.
Comment: BP1, BP4

PreventionGenetics, part of Exact Sciences
Classification: Likely benign for VPS13B-related condition. Last evaluated: 2025-01-15. Review status: criteria provided, single submitter. Criteria: ACMG Guidelines, 2015. Collection method: clinical testing. Allele origin: germline.
Comment: This variant is classified as likely benign based on ACMG/AMP sequence variant interpretation guidelines (Richards et al. 2015 PMID: 25741868, with internal and published modifications).

Blueprint Genetics
Classification: Likely benign. Last evaluated: 2024-11-13. Review status: criteria provided, single submitter. Criteria: ACMG Guidelines, 2015. Collection method: clinical testing. Allele origin: germline.

Ambry Genetics
Classification: Likely benign for Inborn genetic diseases. Last evaluated: 2023-09-14. Review status: criteria provided, single submitter. Criteria: Ambry Variant Classification Scheme 2023. Collection method: clinical testing. Allele origin: germline.

Illumina Laboratory Services, Illumina
Classification: Uncertain significance for Cohen syndrome. Last evaluated: 2018-01-13. Review status: criteria provided, single submitter. Criteria: ICSL Variant Classification Criteria 13 December 2019. Collection method: clinical testing. Allele origin: germline.

Genetic Services Laboratory, University of Chicago
Classification: Uncertain significance. Last evaluated: 2017-05-26. Review status: criteria provided, single submitter. Criteria: ACMG Guidelines, 2015. Collection method: clinical testing. Allele origin: germline. Affected: no.

Center for Pediatric Genomic Medicine, Children's Mercy Hospital and Clinics
Classification: Likely benign. Last evaluated: 2015-06-15. Review status: criteria provided, single submitter. Criteria: ACMG Guidelines, 2015. Collection method: clinical testing. Allele origin: germline.
ClinVar note: Converted during submission from Likely Benign to Likely benign.

Natera, Inc.
Classification: Likely benign for Cohen syndrome. Last evaluated: 2020-06-04. Review status: no assertion criteria provided. Collection method: clinical testing. Allele origin: germline. Not counted in ClinVar's aggregate classification.

Literature cited by the submitters: PubMed 16648375 (cited by Mayo Clinic Laboratories, Mayo Clinic and Ambry Genetics); PubMed 19006247 (cited by Mayo Clinic Laboratories, Mayo Clinic).

NM_152564.5(VPS13B):c.2596G>A (p.Val866Ile)

Gene: VPS13B (vacuolar protein sorting 13 homolog B; plus strand). Cytogenetic location: 8q22.2.
Variant type: single nucleotide variant.
Coding change: c.2596G>A on transcript NM_152564.5 (MANE Select); coding-DNA position 2596, G replaced by A.
Protein change: p.Val866Ile; replaces valine 866 with isoleucine.
Molecular consequence: missense variant.
Genome position (GRCh38, 1-based): chr8:99,274,278, G>A. VCF-style: chr8-99274278-G-A. GRCh37 (hg19) VCF-style: chr8-100286506-G-A.
Other names: c.2596G>A (NM_152564.4); c.2596G>A, p.Val866Ile (NM_017890.5); short protein forms V866I.
Identifiers: ClinVar variation 235550 (VCV000235550.51), dbSNP rs150185067, ClinGen allele CA4822959.
Genomic context (GRCh38, chr8:99,274,278, plus strand): 5'-CTGCCAACTCTTGAGGGCTCAATCCAGAATGTTGAATTGAAGTACTGCAGCACATCATTG[G>A]TCAAATGTGCCTCTGGGACCATGGGATCAATAAAAATTTGTGCCAAAGCCCCAGGTATGT-3'
Protein context (NP_689777.3, residues 856-876): VELKYCSTSL[Val866Ile]KCASGTMGSI